The following is an entry in ClinVar:

NM_170784.3(MKKS):c.512C>G (p.Thr171Arg)

Gene: MKKS (MKKS centrosomal shuttling protein; minus strand). Cytogenetic location: 20p12.2.
Variant type: single nucleotide variant.
Coding change: c.512C>G on transcript NM_170784.3 (MANE Select); coding-DNA position 512, C replaced by G.
Protein change: p.Thr171Arg; replaces threonine 171 with arginine.
Molecular consequence: missense variant.
Genome position (GRCh38, 1-based): chr20:10,413,003, G>C on the plus strand (C>G on the coding strand, the complement: MKKS is on the minus strand). VCF-style: chr20-10413003-G-C. GRCh37 (hg19) VCF-style: chr20-10393651-G-C.
Other names: c.512C>G, p.Thr171Arg (NM_018848.3); short protein forms T171R.
Identifiers: ClinVar variation 1357233 (VCV001357233.6), dbSNP rs1303349629, ClinGen allele CA408232949.

ClinVar aggregate classification (germline): Uncertain significance. Review status: criteria provided, multiple submitters, no conflicts (2 of 4 stars). 2 submissions from 2 submitters: Uncertain significance (2). Last evaluated 2024-05-31.

Conditions:
Bardet-Biedl syndrome (BBS). Identifiers: Orphanet 110, MedGen C0752166, MONDO:0015229.
McKusick-Kaufman syndrome (MKKS). Also called: HYDROMETROCOLPOS SYNDROME; HYDROMETROCOLPOS, POSTAXIAL POLYDACTYLY, AND CONGENITAL HEART MALFORMATION. Identifiers: Orphanet 2473, MedGen C0948368, MONDO:0009367, OMIM 236700.
Bardet-Biedl syndrome 6 (BBS6). Identifiers: Orphanet 110, MedGen C1858054, MONDO:0011523, OMIM 605231.

Allele frequency attached by ClinVar (database versions not stated): gnomAD 0.00001; TOPMed 0.00001; gnomAD exomes 0.00002.
gnomAD v4.1: 33 of 1,613,932 alleles (0.002%); highest among the groups gnomAD compares: Non-Finnish European, 0.0026%; no homozygotes.

Submissions (2):

Fulgent Genetics
Classification: Uncertain significance for McKusick-Kaufman syndrome; Bardet-Biedl syndrome 6. Last evaluated: 2024-05-31. Review status: criteria provided, single submitter. Criteria: ACMG Guidelines, 2015. Collection method: clinical testing. Allele origin: germline.

Labcorp Genetics (formerly Invitae), Labcorp
Classification: Uncertain significance for McKusick-Kaufman syndrome; Bardet-Biedl syndrome. Last evaluated: 2022-07-13. Review status: criteria provided, single submitter. Criteria: Invitae Variant Classification Sherloc (09022015). Collection method: clinical testing. Allele origin: germline.
Comment: This sequence change replaces threonine, which is neutral and polar, with arginine, which is basic and polar, at codon 171 of the MKKS protein (p.Thr171Arg). This variant is not present in population databases (gnomAD no frequency). This variant has not been reported in the literature in individuals affected with MKKS-related conditions. ClinVar contains an entry for this variant (Variation ID: 1357233). Algorithms developed to predict the effect of missense changes on protein structure and function (SIFT, PolyPhen-2, Align-GVGD) all suggest that this variant is likely to be tolerated. In summary, the available evidence is currently insufficient to determine the role of this variant in disease. Therefore, it has been classified as a Variant of Uncertain Significance.